The following is an entry in ClinVar:

NM_006329.4(FBLN5):c.1084C>T (p.Pro362Ser)

Gene: FBLN5 (fibulin 5; minus strand). Cytogenetic location: 14q32.12.
Variant type: single nucleotide variant.
Coding change: c.1084C>T on transcript NM_006329.4 (MANE Select); coding-DNA position 1084, C replaced by T.
Protein change: p.Pro362Ser; replaces proline 362 with serine.
Molecular consequence: missense variant.
Genome position (GRCh38, 1-based): chr14:91,877,588, G>A on the plus strand (C>T on the coding strand, the complement: FBLN5 is on the minus strand). VCF-style: chr14-91877588-G-A. GRCh37 (hg19) VCF-style: chr14-92343932-G-A.
Other names: c.1207C>T, p.Pro403Ser (NM_001384158.1); c.1135C>T, p.Pro379Ser (NM_001384159.1); c.1084C>T, p.Pro362Ser (NM_001384160.1); c.916C>T, p.Pro306Ser (NM_001384161.1, NM_001384162.1); short protein forms P306S, P362S, P379S, P403S.
Identifiers: ClinVar variation 1315608 (VCV001315608.3), dbSNP rs1319405796, ClinGen allele CA390640753.

ClinVar aggregate classification (germline): Uncertain significance. Review status: criteria provided, multiple submitters, no conflicts (2 of 4 stars). 2 submissions from 2 submitters: Uncertain significance (2). Last evaluated 2025-06-09.

Allele frequency attached by ClinVar (database versions not stated): gnomAD exomes below 0.00001 and 0.00002; TOPMed below 0.00001.
gnomAD v4.1: 23 of 1,614,032 alleles (0.0014%); highest among the groups gnomAD compares: Non-Finnish European, 0.0019%; no homozygotes.

Submissions (2):

Labcorp Genetics (formerly Invitae), Labcorp
Classification: Uncertain significance. Last evaluated: 2025-06-09. Review status: criteria provided, single submitter. Criteria: Invitae Variant Classification Sherloc (09022015). Collection method: clinical testing. Allele origin: germline.
Comment: This sequence change replaces proline, which is neutral and non-polar, with serine, which is neutral and polar, at codon 362 of the FBLN5 protein (p.Pro362Ser). This variant is present in population databases (no rsID available, gnomAD 0.0009%). This variant has not been reported in the literature in individuals affected with FBLN5-related conditions. ClinVar contains an entry for this variant (Variation ID: 1315608). Invitae Evidence Modeling of protein sequence and biophysical properties (such as structural, functional, and spatial information, amino acid conservation, physicochemical variation, residue mobility, and thermodynamic stability) indicates that this missense variant is not expected to disrupt FBLN5 protein function with a negative predictive value of 80%. In summary, the available evidence is currently insufficient to determine the role of this variant in disease. Therefore, it has been classified as a Variant of Uncertain Significance.

GeneDx
Classification: Uncertain significance. Last evaluated: 2019-04-24. Review status: criteria provided, single submitter. Criteria: GeneDx Variant Classification Process June 2021. Collection method: clinical testing. Allele origin: germline. Affected: yes.
Comment: Has not been previously published as pathogenic or benign to our knowledge; In silico analysis, which includes protein predictors and evolutionary conservation, supports a deleterious effect; Not observed at a significant frequency in large population cohorts (Lek et al., 2016)